The following is an entry in ClinVar:

ClinVar aggregate classification (germline): Likely pathogenic (1 of 4 stars; one submission).

Conditions:
Intellectual developmental disorder, autosomal recessive 68. Also called: MENTAL RETARDATION, AUTOSOMAL RECESSIVE 68. Identifiers: MedGen C4749033, MONDO:0032665, OMIM 618302.

Submission:

Juno Genomics, Hangzhou Juno Genomics, Inc
Classification: Likely pathogenic for Intellectual developmental disorder, autosomal recessive 68. Review status: criteria provided, single submitter. Criteria: ACMG Guidelines, 2015. Collection method: clinical testing. Allele origin: germline.
Comment: Absent from controls (or at extremely low frequency if recessive) in Genome Aggregation Database.;Null variant in a gene where loss of function (LOF) is a known mechanism of disease.

NM_001136035.4(TRMT1):c.1174C>T (p.Gln392Ter)

Gene: TRMT1 (tRNA methyltransferase 1; minus strand). Cytogenetic location: 19p13.13.
Variant type: single nucleotide variant.
Coding change: c.1174C>T on transcript NM_001136035.4 (MANE Select); coding-DNA position 1174, C replaced by T.
Protein change: p.Gln392Ter; replaces glutamine 392 with a stop codon.
Molecular consequence: nonsense.
Genome position (GRCh38, 1-based): chr19:13,109,771, G>A on the plus strand (C>T on the coding strand, the complement: TRMT1 is on the minus strand). VCF-style: chr19-13109771-G-A. GRCh37 (hg19) VCF-style: chr19-13220585-G-A.
Other names: c.1087C>T, p.Gln363Ter (NM_001142554.3, NM_001351760.2); c.1066C>T, p.Gln356Ter (NM_001351761.2); c.391C>T, p.Gln131Ter (NM_001351762.2); c.1174C>T, p.Gln392Ter (NM_017722.5); short protein forms Q131*, Q356*, Q363*, Q392*.
Identifiers: ClinVar variation 5019110 (VCV005019110.2).